The following is an entry in ClinVar:

ClinVar aggregate classification (germline): Uncertain significance/Uncertain risk allele. Review status: criteria provided, multiple submitters, no conflicts (2 of 4 stars). 2 submissions from 2 submitters: Uncertain significance (1); Uncertain risk allele (1). Last evaluated 2015-04-30.

Conditions:
Wolfram syndrome 1 (WFS1). Identifiers: Orphanet 3463, MedGen C4551693, MONDO:0009101, OMIM 222300.

Submissions (2):

Genetic Services Laboratory, University of Chicago
Classification: Uncertain significance. Last evaluated: 2015-04-30. Review status: criteria provided, single submitter. Criteria: ACMG Guidelines, 2015. Collection method: clinical testing. Allele origin: germline.

Clinical Genomics, Uppaluri K&H Personalized Medicine Clinic
Classification: Uncertain risk allele for Wolfram syndrome 1. Review status: criteria provided, single submitter. Criteria: K & H Uppaluri Personalized Medicine Clinic Variant Classification & Assertion Criteria_Updated V.1. Collection method: research. Allele origin: unknown. Inheritance: Autosomal recessive inheritance.
Comment: Potent mutations in WFS1 gene are associated with Wolfram's syndrome, an autosomal recessive condition, which cause diabetes mellitus, diabetes insipidus, deafness and optic atrophy.However no sufficient evidence is found to ascertain the role of this particular variant rs797046111 in Wolfram's syndrome yet.

Literature cited by the submitters: PubMed 20738327 (cited by Clinical Genomics, Uppaluri K&H Personalized Medicine Clinic); PubMed 33879153 (cited by Clinical Genomics, Uppaluri K&H Personalized Medicine Clinic); PubMed 12955714 (cited by Clinical Genomics, Uppaluri K&H Personalized Medicine Clinic); PubMed 18060660 (cited by Clinical Genomics, Uppaluri K&H Personalized Medicine Clinic); PubMed 20301750 (cited by Clinical Genomics, Uppaluri K&H Personalized Medicine Clinic); PubMed 17603484 (cited by Clinical Genomics, Uppaluri K&H Personalized Medicine Clinic).

NM_006005.3(WFS1):c.1142T>C (p.Leu381Pro)

Gene: WFS1 (wolframin ER transmembrane glycoprotein; plus strand). Cytogenetic location: 4p16.1.
Variant type: single nucleotide variant.
Coding change: c.1142T>C on transcript NM_006005.3 (MANE Select); coding-DNA position 1142, T replaced by C.
Protein change: p.Leu381Pro; replaces leucine 381 with proline.
Molecular consequence: missense variant.
Genome position (GRCh38, 1-based): chr4:6,300,937, T>C. VCF-style: chr4-6300937-T-C. GRCh37 (hg19) VCF-style: chr4-6302664-T-C.
Other names: c.1142T>C, p.Leu381Pro (NM_001145853.1); short protein forms L381P.
Identifiers: ClinVar variation 212610 (VCV000212610.7), dbSNP rs797046111, ClinGen allele CA207721.
Genomic context (GRCh38, chr4:6,300,937, plus strand): 5'-CCCTCAAGGTGTTCCAGGACAGCAAGGCCTGGGAGAACTTCCGCACCCTCACCGACCTGC[T>C]GCTGCGCTTCGAGCCCAACCTGGATGTGGAGCAGGCCGAGGTCAACTTCGGCTGGAACCA-3'
Protein context (NP_005996.2, residues 371-391): WENFRTLTDL[Leu381Pro]LRFEPNLDVE